The following is an entry in ClinVar:

NM_003924.4(PHOX2B):c.262G>T (p.Asp88Tyr)

Gene: PHOX2B (paired like homeobox 2B; minus strand). Cytogenetic location: 4p13.
Variant type: single nucleotide variant.
Coding change: c.262G>T on transcript NM_003924.4 (MANE Select); coding-DNA position 262, G replaced by T.
Protein change: p.Asp88Tyr; replaces aspartic acid 88 with tyrosine.
Molecular consequence: missense variant.
Genome position (GRCh38, 1-based): chr4:41,747,516, C>A on the plus strand (G>T on the coding strand, the complement: PHOX2B is on the minus strand). VCF-style: chr4-41747516-C-A. GRCh37 (hg19) VCF-style: chr4-41749533-C-A.
Other names: short protein forms D88Y.
Identifiers: ClinVar variation 5026538 (VCV005026538.1).

ClinVar aggregate classification (germline): Uncertain significance (1 of 4 stars; one submission).

Conditions:
Hereditary cancer-predisposing syndrome. Also called: Neoplastic Syndromes, Hereditary; Tumor predisposition; Hereditary neoplastic syndrome; Hereditary Cancer Syndrome. Identifiers: Orphanet 140162, MedGen C0027672, MeSH D009386, MONDO:0015356.

Submission:

Ambry Genetics
Classification: Uncertain significance for Hereditary cancer-predisposing syndrome. Last evaluated: 2026-07-06. Review status: criteria provided, single submitter. Criteria: Ambry Variant Classification Scheme 2023. Collection method: clinical testing. Allele origin: germline.
Comment: The p.D88Y variant (also known as c.262G>T), located in coding exon 2 of the PHOX2B gene, results from a G to T substitution at nucleotide position 262. The aspartic acid at codon 88 is replaced by tyrosine, an amino acid with highly dissimilar properties. This amino acid position is conserved. In addition, this alteration is predicted to be deleterious by in silico analysis. Based on the available evidence, the clinical significance of this variant remains unclear.